The following is an entry in ClinVar:

ClinVar aggregate classification (germline): Likely pathogenic (1 of 4 stars; one submission).

Conditions:
Fucosidosis. Also called: ALPHA-L-FUCOSIDASE DEFICIENCY. Identifiers: Orphanet 349, MedGen C0016788, MONDO:0009254, OMIM 230000.

Submission:

Broad Center for Mendelian Genomics, Broad Institute of MIT and Harvard
Classification: Likely pathogenic for Fucosidosis. Last evaluated: 2018-11-15. Review status: criteria provided, single submitter. Criteria: ACMG Guidelines, 2015. Collection method: research. Allele origin: germline. Inheritance: Autosomal recessive inheritance. Affected: yes.
Comment: This variant was absent from large population studies. This variant is predicted to cause a frameshift, which alters the protein's amino acid sequence beginning at position 51 and leads to a premature termination codon 79 amino acids downstream. This alteration is then predicted to lead to a truncated or absent protein. Loss of function of the FUCA1 gene is an established disease mechanism in autosomal recessive Fucosidosis, and this is a loss of function variant. In summary, although additional studies are required to fully establish its clinical significance, this variant is likely pathogenic.

NM_000147.5(FUCA1):c.151_160del (p.Ala51fs)

Gene: FUCA1 (alpha-L-fucosidase 1; minus strand). Cytogenetic location: 1p36.11.
Variant type: Deletion.
Coding change: c.151_160del on transcript NM_000147.5 (MANE Select); coding-DNA positions 151 to 160, 10 bases deleted (GCCTGGTTCG; older notation c.151_160delGCCTGGTTCG).
Protein change: p.Ala51fs; shifts the reading frame from alanine 51.
Molecular consequence: frameshift variant.
Genome position (GRCh38, 1-based): chr1:23,868,127-23,868,136, CGAACCAGGC deleted on the plus strand (GCCTGGTTCG on the coding strand, the reverse complement: FUCA1 is on the minus strand); deleting any 10 consecutive bases within chr1:23,868,127-23,868,138 gives the same sequence; the c. name uses the placement nearest the transcript's 3' end. VCF-style (leftmost placement, unchanged base first): chr1-23868126-TCGAACCAGGC-T. GRCh37 (hg19) VCF-style: chr1-24194616-TCGAACCAGGC-T.
Other names: short protein forms A51fs.
Identifiers: ClinVar variation 800537 (VCV000800537.1), dbSNP rs1570692560, ClinGen allele CA658795328.